The following is an entry in ClinVar:

ClinVar aggregate classification (germline): Uncertain significance (1 of 4 stars; one submission).

Submission:

GeneDx
Classification: Uncertain significance. Last evaluated: 2022-01-31. Review status: criteria provided, single submitter. Criteria: GeneDx Variant Classification Process June 2021. Collection method: clinical testing. Allele origin: germline. Affected: yes.
Comment: Not observed at significant frequency in large population cohorts (gnomAD); In silico analysis supports that this missense variant has a deleterious effect on protein structure/function; Has not been previously published as pathogenic or benign to our knowledge

NM_031885.5(BBS2):c.830G>T (p.Gly277Val)

Gene: BBS2 (Bardet-Biedl syndrome 2; minus strand). Cytogenetic location: 16q13.
Variant type: single nucleotide variant.
Coding change: c.830G>T on transcript NM_031885.5 (MANE Select); coding-DNA position 830, G replaced by T.
Protein change: p.Gly277Val; replaces glycine 277 with valine.
Molecular consequence: missense variant. On other transcripts: non-coding transcript variant (5).
Genome position (GRCh38, 1-based): chr16:56,502,783, C>A on the plus strand (G>T on the coding strand, the complement: BBS2 is on the minus strand). VCF-style: chr16-56502783-C-A. GRCh37 (hg19) VCF-style: chr16-56536695-C-A.
Other names: c.830G>T, p.Gly277Val (NM_001377456.1); short protein forms G277V.
Identifiers: ClinVar variation 1699592 (VCV001699592.2), dbSNP rs2144150673, ClinGen allele CA395981880.